The following is an entry in ClinVar:

NM_003966.3(SEMA5A):c.1569G>C (p.Thr523=)

Gene: SEMA5A (semaphorin 5A; minus strand). Cytogenetic location: 5p15.31.
Variant type: single nucleotide variant.
Coding change: c.1569G>C on transcript NM_003966.3 (MANE Select); coding-DNA position 1569, G replaced by C.
Protein change: p.Thr523=; no amino-acid change (threonine 523 retained).
Molecular consequence: synonymous variant.
Genome position (GRCh38, 1-based): chr5:9,136,534, C>G on the plus strand (G>C on the coding strand, the complement: SEMA5A is on the minus strand). VCF-style: chr5-9136534-C-G. GRCh37 (hg19) VCF-style: chr5-9136646-C-G.
Identifiers: ClinVar variation 3059015 (VCV003059015.2), dbSNP rs17238609, ClinGen allele CA3196722.

ClinVar aggregate classification (germline): Benign (0 of 4 stars; one submission).

Conditions:
SEMA5A-related disorder. Also called: SEMA5A-related condition.

Allele frequency attached by ClinVar (database versions not stated): TOPMed 0.06782; ESP Exome Variant Server 0.07327; 1000 Genomes Project 30x 0.07480; 1000 Genomes Project 0.07548; ExAC 0.08769.
gnomAD v4.1: 141,025 of 1,613,748 alleles (8.7%); highest among the groups gnomAD compares: South Asian, 15%; 6,852 homozygotes.

Submission:

PreventionGenetics, part of Exact Sciences
Classification: Benign for SEMA5A-related condition. Last evaluated: 2022-10-24. Review status: no assertion criteria provided. Collection method: clinical testing. Allele origin: germline.
Comment: This variant is classified as benign based on ACMG/AMP sequence variant interpretation guidelines (Richards et al. 2015 PMID: 25741868, with internal and published modifications).